The following is an entry in ClinVar:

ClinVar aggregate classification (germline): Conflicting classifications of pathogenicity. Review status: criteria provided, conflicting classifications (1 of 4 stars). 5 submissions from 5 submitters: Likely pathogenic (1); Uncertain significance (4). Last evaluated 2022-08-10.

Conditions:
Mitochondrial DNA depletion syndrome 13. Also called: FBXL4-Related Encephalomyopathic Mitochondrial DNA Depletion Syndrome; Mitochondrial DNA depletion syndrome 13 (encephalomyopathic type). Identifiers: Orphanet 369897, MedGen C3809592, MONDO:0014198, OMIM 615471.

Allele frequency attached by ClinVar (database versions not stated): ExAC 0.00002; gnomAD exomes 0.00003 and 0.00004; TOPMed 0.00003; gnomAD 0.00005.
gnomAD v4.1: 67 of 1,613,420 alleles (0.0042%); highest among the groups gnomAD compares: East Asian, 0.013%; 1 homozygote.

Submissions (5):

Labcorp Genetics (formerly Invitae), Labcorp
Classification: Uncertain significance. Last evaluated: 2022-08-10. Review status: criteria provided, single submitter. Criteria: Invitae Variant Classification Sherloc (09022015). Collection method: clinical testing. Allele origin: germline.
Comment: This sequence change replaces arginine, which is basic and polar, with cysteine, which is neutral and slightly polar, at codon 379 of the FBXL4 protein (p.Arg379Cys). This variant is present in population databases (rs778692687, gnomAD 0.02%). This missense change has been observed in individual(s) with mitochondrial encephalopathy (PMID: 28940506, 32348839). ClinVar contains an entry for this variant (Variation ID: 437700). Algorithms developed to predict the effect of missense changes on protein structure and function (SIFT, PolyPhen-2, Align-GVGD) all suggest that this variant is likely to be tolerated. Algorithms developed to predict the effect of sequence changes on RNA splicing suggest that this variant may disrupt the consensus splice site. In summary, the available evidence is currently insufficient to determine the role of this variant in disease. Therefore, it has been classified as a Variant of Uncertain Significance.

Women's Health and Genetics/Laboratory Corporation of America, LabCorp
Classification: Uncertain significance. Last evaluated: 2021-12-27. Review status: criteria provided, single submitter. Criteria: LabCorp Variant Classification Summary - May 2015. Collection method: clinical testing. Allele origin: germline.
Comment: Variant summary: FBXL4 c.1135C>T (p.Arg379Cys) results in a non-conservative amino acid change located in the Leucine-rich repeat domain superfamily domain (IPR032675) of the encoded protein sequence. Three of five in-silico tools predict a benign effect of the variant on protein function. The variant allele was found at a frequency of 3.2e-05 in 250462 control chromosomes. c.1135C>T has been reported in the literature as a VUS with a non-informative genotype in a study reporting the mutational spectrum of FBXL4 deficiency (El-Hattab_2017) and as a homozygous genotype in at-least one comprehensively genotyped individual with mitochondrial encephalopathy (example, Hu_2020). These data indicate that the variant may be associated with disease. To our knowledge, no experimental evidence demonstrating an impact on protein function has been reported. Two clinical diagnostic laboratories have submitted clinical-significance assessments for this variant to ClinVar after 2014 without evidence for independent evaluation. One laboratory classified the variant as likely pathogenic and one laboratory classified the variant as uncertain significance. The laboratory submitting the likely pathogenic classification has published the report that has been utilized in the context of our evaluation (Hu_2020). Based on the evidence outlined above, the variant was classified as VUS-possibly pathogenic.

Revvity Omics, Revvity
Classification: Uncertain significance for Mitochondrial DNA depletion syndrome 13. Last evaluated: 2021-08-23. Review status: criteria provided, single submitter. Criteria: ACMG Guidelines, 2015. Collection method: clinical testing. Allele origin: germline.

The Molecular Genetic and Pathologic Diagnosis Center of Neuromuscular Disorder, Children's Hospital of Fudan University
Classification: Likely pathogenic for Mitochondrial DNA depletion syndrome 13 (encephalomyopathic type). Last evaluated: 2019-12-01. Review status: criteria provided, single submitter. Criteria: ACMG Guidelines, 2015. Collection method: clinical testing. Allele origin: germline. Affected: yes.

Wong Mito Lab, Molecular and Human Genetics, Baylor College of Medicine
Classification: Uncertain significance for Mitochondrial DNA depletion syndrome 13. Last evaluated: 2017-08-10. Review status: criteria provided, single submitter. Criteria: ACMG Guidelines, 2015. Collection method: reference population. Allele origin: germline.
Comment: The NM_012160.4:c.1135C>T (NP_036292.2:p.Arg379Cys) [GRCH38: NC_000006.12:g.98899450G>A] variant in FBXL4 gene is interpretated to be a Uncertain Significance - Conflicting Evidence based on ACMG guidelines (PMID: 25741868). This variant meets one or more of the following evidence codes reported in the ACMG-guideline. PM2:This variant is absent in key population databases. BP4:Computational evidence/predictors indicate no impact on the FBXL4 structure, function, or protein-protein interaction. Based on this evidence code ClinGen Pathogenicity Calculator (PMID:28081714) suggested that the variant is Uncertain Significance - Conflicting Evidence.

Literature cited by the submitters: PubMed 28940506 (cited by Labcorp Genetics (formerly Invitae), Labcorp and Women's Health and Genetics/Laboratory Corporation of America, LabCorp); PubMed 32348839 (cited by Labcorp Genetics (formerly Invitae), Labcorp and Women's Health and Genetics/Laboratory Corporation of America, LabCorp).

NM_001278716.2(FBXL4):c.1135C>T (p.Arg379Cys)

Gene: FBXL4 (F-box and leucine rich repeat protein 4; minus strand). Cytogenetic location: 6q16.1.
Variant type: single nucleotide variant.
Coding change: c.1135C>T on transcript NM_001278716.2 (MANE Select); coding-DNA position 1135, C replaced by T.
Protein change: p.Arg379Cys; replaces arginine 379 with cysteine.
Molecular consequence: missense variant. On other transcripts: non-coding transcript variant (2).
Genome position (GRCh38, 1-based): chr6:98,899,450, G>A on the plus strand (C>T on the coding strand, the complement: FBXL4 is on the minus strand). VCF-style: chr6-98899450-G-A. GRCh37 (hg19) VCF-style: chr6-99347326-G-A.
Other names: c.1135C>T, p.Arg379Cys (NM_012160.5); short protein forms R379C.
Identifiers: ClinVar variation 437700 (VCV000437700.9), dbSNP rs778692687, ClinGen allele CA3933516.